The following is an entry in ClinVar:

NM_001145809.2(MYH14):c.278G>A (p.Arg93Gln)

Gene: MYH14 (myosin heavy chain 14; plus strand). Cytogenetic location: 19q13.33.
Variant type: single nucleotide variant.
Coding change: c.278G>A on transcript NM_001145809.2 (MANE Select); coding-DNA position 278, G replaced by A.
Protein change: p.Arg93Gln; replaces arginine 93 with glutamine.
Molecular consequence: missense variant.
Genome position (GRCh38, 1-based): chr19:50,210,643, G>A. VCF-style: chr19-50210643-G-A. GRCh37 (hg19) VCF-style: chr19-50713900-G-A.
Other names: c.278G>A, p.Arg93Gln (NM_001077186.2, NM_024729.4); short protein forms R93Q.
Identifiers: ClinVar variation 4744703 (VCV004744703.1).

ClinVar aggregate classification (germline): Uncertain significance (1 of 4 stars; one submission).

gnomAD v4.1: 3 of 1,571,178 alleles (0.00019%); highest among the groups gnomAD compares: Non-Finnish European, 0.00017%; no homozygotes.

Submission:

Labcorp Genetics (formerly Invitae), Labcorp
Classification: Uncertain significance. Last evaluated: 2025-03-24. Review status: criteria provided, single submitter. Criteria: Invitae Variant Classification Sherloc (09022015). Collection method: clinical testing. Allele origin: germline.
Comment: This sequence change replaces arginine, which is basic and polar, with glutamine, which is neutral and polar, at codon 93 of the MYH14 protein (p.Arg93Gln). This variant is not present in population databases (gnomAD no frequency). This variant has not been reported in the literature in individuals affected with MYH14-related conditions. Invitae Evidence Modeling of protein sequence and biophysical properties (such as structural, functional, and spatial information, amino acid conservation, physicochemical variation, residue mobility, and thermodynamic stability) indicates that this missense variant is not expected to disrupt MYH14 protein function with a negative predictive value of 80%. In summary, the available evidence is currently insufficient to determine the role of this variant in disease. Therefore, it has been classified as a Variant of Uncertain Significance.